The following is an entry in ClinVar:

NM_001195263.2(PDZD7):c.166del (p.Arg56fs)

Gene: PDZD7 (PDZ domain containing 7; minus strand). Cytogenetic location: 10q24.31.
Variant type: Deletion.
Coding change: c.166del on transcript NM_001195263.2 (MANE Select); coding-DNA position 166, one base deleted (C; older notation c.166delC).
Protein change: p.Arg56fs; shifts the reading frame from arginine 56.
Molecular consequence: frameshift variant.
Genome position (GRCh38, 1-based): chr10:101,030,054, G deleted on the plus strand (C on the coding strand, the reverse complement: PDZD7 is on the minus strand); the first of 7 consecutive G bases (chr10:101,030,054-101,030,060); deleting any one gives the same sequence. VCF-style (leftmost placement, unchanged base first): chr10-101030053-CG-C. GRCh37 (hg19) VCF-style: chr10-102789810-CG-C.
Other names: c.166del, p.Arg56fs (NM_001351044.2, NM_001437429.1, NM_024895.5); short protein forms R56fs.
Identifiers: ClinVar variation 4730017 (VCV004730017.1).

ClinVar aggregate classification (germline): Pathogenic (1 of 4 stars; one submission).

Submission:

Labcorp Genetics (formerly Invitae), Labcorp
Classification: Pathogenic. Last evaluated: 2025-10-27. Review status: criteria provided, single submitter. Criteria: Invitae Variant Classification Sherloc (09022015). Collection method: clinical testing. Allele origin: germline.
Comment: This sequence change creates a premature translational stop signal (p.Arg56Alafs*81) in the PDZD7 gene. It is expected to result in an absent or disrupted protein product. Loss-of-function variants in PDZD7 are known to be pathogenic (PMID: 20440071). This variant is not present in population databases (gnomAD no frequency). This variant has not been reported in the literature in individuals affected with PDZD7-related conditions. For these reasons, this variant has been classified as Pathogenic.

Literature cited by the submitters: PubMed 20440071.